The following is an entry in ClinVar:

NM_032383.5(HPS3):c.591T>G (p.Tyr197Ter)

Gene: HPS3 (HPS3 biogenesis of lysosomal organelles complex 2 subunit 1; plus strand). Cytogenetic location: 3q24.
Variant type: single nucleotide variant.
Coding change: c.591T>G on transcript NM_032383.5 (MANE Select); coding-DNA position 591, T replaced by G.
Protein change: p.Tyr197Ter; replaces tyrosine 197 with a stop codon.
Molecular consequence: nonsense. On other transcripts: intron variant (1).
Genome position (GRCh38, 1-based): chr3:149,140,377, T>G. VCF-style: chr3-149140377-T-G. GRCh37 (hg19) VCF-style: chr3-148858164-T-G.
Other names: c.218-640T>G (NM_001308258.2); short protein forms Y197*.
Identifiers: ClinVar variation 5014276 (VCV005014276.1).

ClinVar aggregate classification (germline): Pathogenic (1 of 4 stars; one submission).

Conditions:
Hermansky-Pudlak syndrome 3 (HPS3). Identifiers: Orphanet 231512, Orphanet 79430, MedGen C3888001, MONDO:0013555, OMIM 614072.

Submission:

Myriad Genetics, Inc.
Classification: Pathogenic for Hermansky-Pudlak syndrome 3. Last evaluated: 2025-03-28. Review status: criteria provided, single submitter. Criteria: Myriad Autosomal Dominant, Autosomal Recessive and X-Linked Classification Criteria (2023). Collection method: clinical testing. Allele origin: unknown.
Comment: NM_032383.3(HPS3):c.591T>G(Y197*) is expected to be pathogenic in the context of Hermansky-Pudlak syndrome, HPS3-related. This variant is predicted to lead to an abnormal or absent protein product due to the creation of a premature termination codon in HPS3, a gene where loss-of-function variants are known to be pathogenic. Please note: this variant was assessed in the context of healthy population screening.